The following is an entry in ClinVar:

NM_020433.5(JPH2):c.1016G>A (p.Gly339Asp)

Gene: JPH2 (junctophilin 2; minus strand). Cytogenetic location: 20q13.12.
Variant type: single nucleotide variant.
Coding change: c.1016G>A on transcript NM_020433.5 (MANE Select); coding-DNA position 1016, G replaced by A.
Protein change: p.Gly339Asp; replaces glycine 339 with aspartic acid.
Molecular consequence: missense variant.
Genome position (GRCh38, 1-based): chr20:44,159,771, C>T on the plus strand (G>A on the coding strand, the complement: JPH2 is on the minus strand). VCF-style: chr20-44159771-C-T. GRCh37 (hg19) VCF-style: chr20-42788411-C-T.
Other names: short protein forms G339D.
Identifiers: ClinVar variation 2451751 (VCV002451751.2), dbSNP rs2515744296, ClinGen allele CA409093185.
Genomic context (GRCh38, chr20:44,159,771, plus strand): 5'-CTCTTGAGCTGCAGCATGCGGCGCTTGGTGTCCTTGACCAGCACGTTGTGGCGGTACTTG[C>T]CCTCCTCGCGGTGGCCGTCGGGCAGCGTGGTGCAGCCATAGCCGTGGCGCAGGTTGTCCA-3'
Protein context (NP_065166.2, residues 329-349): TTLPDGHREE[Gly339Asp]KYRHNVLVKD

ClinVar aggregate classification (germline): Uncertain significance (1 of 4 stars; one submission).

Conditions:
Cardiovascular phenotype. Identifiers: MedGen CN230736.

Allele frequency attached by ClinVar (database versions not stated): gnomAD exomes below 0.00001.
gnomAD v4.1: 1 of 1,613,448 alleles (0.000062%); highest among the groups gnomAD compares: Non-Finnish European, 0.000085%; no homozygotes.

Submission:

Ambry Genetics
Classification: Uncertain significance for Cardiovascular phenotype. Last evaluated: 2023-01-30. Review status: criteria provided, single submitter. Criteria: Ambry Variant Classification Scheme 2023. Collection method: clinical testing. Allele origin: germline.
Comment: The p.G339D variant (also known as c.1016G>A), located in coding exon 2 of the JPH2 gene, results from a G to A substitution at nucleotide position 1016. The glycine at codon 339 is replaced by aspartic acid, an amino acid with similar properties. This amino acid position is conserved. In addition, this alteration is predicted to be deleterious by in silico analysis. Since supporting evidence is limited at this time, the clinical significance of this alteration remains unclear.